The following is an entry in ClinVar:

ClinVar aggregate classification (germline): Likely pathogenic (1 of 4 stars; one submission).

Conditions:
Coffin-Siris syndrome 8. Identifiers: MedGen C5193054, MONDO:0032702, OMIM 618362.

Submission:

Pele Pequeno Principe Research Institute, Faculdades Pequeno Principe
Classification: Likely pathogenic for Coffin-Siris syndrome 8. Last evaluated: 2025-12-12. Review status: criteria provided, single submitter. Criteria: ACMG Guidelines, 2015. Collection method: research. Allele origin: germline. Inheritance: Autosomal dominant inheritance. Affected: yes. Observed: 1 heterozygote.
Comment: The SMARCC2:c.2746A>G variant results in the substitution of lysine by glutamate at position 916 of the protein (p.Lys916Glu). This change is a missense alteration affecting a highly conserved residue in the C-terminal region. According to the Genome Aggregation Database (gnomAD), this variant is absent from the general population. (PMIDs: 35536477; 30580808)

Literature cited by the submitters: PubMed 35536477; PubMed 30580808.

NM_001330288.2(SMARCC2):c.2746A>G (p.Lys916Glu)

Gene: SMARCC2 (SWI/SNF related BAF chromatin remodeling complex subunit C2; minus strand). Cytogenetic location: 12q13.2.
Variant type: single nucleotide variant.
Coding change: c.2746A>G on transcript NM_001330288.2 (MANE Select); coding-DNA position 2746, A replaced by G.
Protein change: p.Lys916Glu; replaces lysine 916 with glutamic acid.
Molecular consequence: missense variant.
Genome position (GRCh38, 1-based): chr12:56,168,164, T>C on the plus strand (A>G on the coding strand, the complement: SMARCC2 is on the minus strand). VCF-style: chr12-56168164-T-C. GRCh37 (hg19) VCF-style: chr12-56561948-T-C.
Other names: c.2746A>G, p.Lys916Glu (NM_001130420.3, NM_139067.4); c.2653A>G, p.Lys885Glu (NM_003075.5); short protein forms K885E, K916E.
Identifiers: ClinVar variation 4537466 (VCV004537466.1).